The following is an entry in ClinVar:

ClinVar aggregate classification (germline): Likely pathogenic (1 of 4 stars; one submission).

Conditions:
Intellectual developmental disorder, X-linked, syndromic, Turner type. Also called: Intellectual disability, X-linked syndromic, Turner type; X-linked intellectual disability, Turner type. Identifiers: Orphanet 3056, Orphanet 85328, MedGen C2678046, MONDO:0010407, OMIM 309590.

Submission:

Laboratory of genome editing, Research Centre for Medical Genetics
Classification: Likely pathogenic for Intellectual developmental disorder, X-linked, syndromic, Turner type. Last evaluated: 2023-09-20. Review status: criteria provided, single submitter. Criteria: ACMG Guidelines, 2015. Collection method: clinical testing. Allele origin: de novo. Affected: yes. Observed: 1 hemizygote.
Comment: PS2, PM2, PP2, PP3

Literature cited by the submitters: PubMed 35887114.

NM_031407.7(HUWE1):c.12719C>T (p.Ser4240Phe)

Gene: HUWE1 (HECT, UBA and WWE domain containing E3 ubiquitin protein ligase 1; minus strand). Cytogenetic location: Xp11.22.
Variant type: single nucleotide variant.
Coding change: c.12719C>T on transcript NM_031407.7 (MANE Select); coding-DNA position 12719, C replaced by T.
Protein change: p.Ser4240Phe; replaces serine 4240 with phenylalanine.
Molecular consequence: missense variant.
Genome position (GRCh38, 1-based): chrX:53,534,628, G>A on the plus strand (C>T on the coding strand, the complement: HUWE1 is on the minus strand). VCF-style: chrX-53534628-G-A. GRCh37 (hg19) VCF-style: chrX-53561589-G-A.
Other names: short protein forms S4240F.
Identifiers: ClinVar variation 2580158 (VCV002580158.2), dbSNP rs2521675340, ClinGen allele CA413146666.